The following is an entry in ClinVar:

Conditions:
Long QT syndrome 5 (LQT5). Identifiers: Orphanet 101016, Orphanet 768, MedGen C1867904, MONDO:0013372, OMIM 613695.

Submission:

Roden Lab, Vanderbilt University Medical Center
No classification provided (evidence only). Condition: Long QT syndrome 5. Review status: no classification provided. Collection method: in vitro. Allele origin: not applicable. Functional consequence: Effect on ion channel function.
ClinVar note: "not provided" was previously submitted as the classification for the variant. However, the classification appeared to be based only on an observation of functional data so it was converted to no classification on 2025-07-30.

NM_000219.6(KCNE1):c.38T>G (p.Leu13Arg)

Gene: KCNE1 (potassium voltage-gated channel subfamily E regulatory subunit 1; minus strand). Cytogenetic location: 21q22.12.
Variant type: single nucleotide variant.
Coding change: c.38T>G on transcript NM_000219.6 (MANE Select); coding-DNA position 38, T replaced by G.
Protein change: p.Leu13Arg; replaces leucine 13 with arginine.
Molecular consequence: missense variant.
Genome position (GRCh38, 1-based): chr21:34,449,597, A>C on the plus strand (T>G on the coding strand, the complement: KCNE1 is on the minus strand). VCF-style: chr21-34449597-A-C. GRCh37 (hg19) VCF-style: chr21-35821895-A-C.
Other names: c.38T>G, p.Leu13Arg (NM_001127668.4, NM_001127669.4, NM_001127670.4 and 4 more transcripts); short protein forms L13R.
Identifiers: ClinVar variation 3373880 (VCV003373880.2).